The following is an entry in ClinVar:

NM_002585.4(PBX1):c.367G>A (p.Gly123Ser)

Gene: PBX1 (PBX homeobox 1; plus strand). Cytogenetic location: 1q23.3.
Variant type: single nucleotide variant.
Coding change: c.367G>A on transcript NM_002585.4 (MANE Select); coding-DNA position 367, G replaced by A.
Protein change: p.Gly123Ser; replaces glycine 123 with serine.
Molecular consequence: missense variant.
Genome position (GRCh38, 1-based): chr1:164,792,595, G>A. VCF-style: chr1-164792595-G-A. GRCh37 (hg19) VCF-style: chr1-164761832-G-A.
Other names: c.367G>A, p.Gly123Ser (NM_001204961.2, NM_001204963.2, NM_001353131.2); c.118G>A, p.Gly40Ser (NM_001353130.1); short protein forms G123S, G40S.
Identifiers: ClinVar variation 3767505 (VCV003767505.1).
Genomic context (GRCh38, chr1:164,792,595, plus strand): 5'-CCCCAGCTGATGCGGCTGGACAACATGCTGTTAGCGGAAGGCGTGGCGGGGCCTGAGAAG[G>A]GCGGAGGGTCGGCGGCAGCGGCGGCAGCGGCGGCGGCTTCTGGAGGGGCAGGTTCAGACA-3'
Protein context (NP_002576.1, residues 113-133): LAEGVAGPEK[Gly123Ser]GGSAAAAAAA

ClinVar aggregate classification (germline): Uncertain significance (1 of 4 stars; one submission).

Submission:

GeneDx
Classification: Uncertain significance. Last evaluated: 2024-09-08. Review status: criteria provided, single submitter. Criteria: GeneDx Variant Classification Process June 2021. Collection method: clinical testing. Allele origin: germline. Affected: yes.
Comment: Not observed at significant frequency in large population cohorts (gnomAD); In silico analysis supports that this missense variant has a deleterious effect on protein structure/function; Has not been previously published as pathogenic or benign to our knowledge